The following is an entry in ClinVar:

NM_004448.4(ERBB2):c.3235G>A (p.Glu1079Lys)

Gene: ERBB2 (erb-b2 receptor tyrosine kinase 2; plus strand). Cytogenetic location: 17q12.
Variant type: single nucleotide variant.
Coding change: c.3235G>A on transcript NM_004448.4 (MANE Select); coding-DNA position 3235, G replaced by A.
Protein change: p.Glu1079Lys; replaces glutamic acid 1079 with lysine.
Molecular consequence: missense variant. On other transcripts: non-coding transcript variant (1), intron variant (2).
Genome position (GRCh38, 1-based): chr17:39,727,370, G>A. VCF-style: chr17-39727370-G-A. GRCh37 (hg19) VCF-style: chr17-37883623-G-A.
Other names: c.3145G>A, p.Glu1049Lys (NM_001005862.3, NM_001382782.1, NM_001382783.1); c.3190G>A, p.Glu1064Lys (NM_001289936.2); c.3352G>A, p.Glu1118Lys (NM_001382784.1); c.3337G>A, p.Glu1113Lys (NM_001382785.1); c.3316G>A, p.Glu1106Lys (NM_001382786.1); c.3310G>A, p.Glu1104Lys (NM_001382787.1); c.3265G>A, p.Glu1089Lys (NM_001382788.1); c.3256G>A, p.Glu1086Lys (NM_001382789.1); and 17 more; short protein forms E1046K, E762K, E803K, E993K, E1019K, E1027K, E1049K, E1079K.
Identifiers: ClinVar variation 2886799 (VCV002886799.3), dbSNP rs1038581447, ClinGen allele CA290443227.

ClinVar aggregate classification (germline): Uncertain significance (1 of 4 stars; one submission).

Allele frequency attached by ClinVar (database versions not stated): gnomAD exomes 0.00001; gnomAD 0.00003; TOPMed 0.00003.
gnomAD v4.1: 13 of 1,610,890 alleles (0.00081%); highest among the groups gnomAD compares: African/African-American, 0.004%; no homozygotes.

Submission:

Labcorp Genetics (formerly Invitae), Labcorp
Classification: Uncertain significance. Last evaluated: 2023-04-28. Review status: criteria provided, single submitter. Criteria: Invitae Variant Classification Sherloc (09022015). Collection method: clinical testing. Allele origin: germline.
Comment: In summary, the available evidence is currently insufficient to determine the role of this variant in disease. Therefore, it has been classified as a Variant of Uncertain Significance. An algorithm developed to predict the effect of missense changes on protein structure and function (PolyPhen-2) suggests that this variant is likely to be tolerated. This variant has not been reported in the literature in individuals affected with ERBB2-related conditions. The frequency data for this variant in the population databases is considered unreliable, as metrics indicate poor data quality at this position in the gnomAD database. This sequence change replaces glutamic acid, which is acidic and polar, with lysine, which is basic and polar, at codon 1079 of the ERBB2 protein (p.Glu1079Lys).